The following is an entry in ClinVar:

ClinVar aggregate classification (germline): Uncertain significance (1 of 4 stars; one submission).

Conditions:
Dilated cardiomyopathy 1JJ (CMD1JJ). Identifiers: Orphanet 154, MedGen C3808935, MONDO:0014095, OMIM 615235.

Submission:

Labcorp Genetics (formerly Invitae), Labcorp
Classification: Uncertain significance for Dilated cardiomyopathy 1JJ. Last evaluated: 2025-12-13. Review status: criteria provided, single submitter. Criteria: Invitae Variant Classification Sherloc (09022015). Collection method: clinical testing. Allele origin: germline.
Comment: This sequence change creates a premature translational stop signal (p.Asn165Valfs*32) in the LAMA4 gene. It is expected to result in an absent or disrupted protein product. However, the current clinical and genetic evidence is not sufficient to establish whether loss-of-function variants in LAMA4 cause disease. This variant is not present in population databases (gnomAD no frequency). This variant has not been reported in the literature in individuals affected with LAMA4-related conditions. In summary, the available evidence is currently insufficient to determine the role of this variant in disease. Therefore, it has been classified as a Variant of Uncertain Significance.

NM_001105206.3(LAMA4):c.493_496del (p.Asn165fs)

Gene: LAMA4 (laminin subunit alpha 4; minus strand). Cytogenetic location: 6q21.
Variant type: Deletion.
Coding change: c.493_496del on transcript NM_001105206.3 (MANE Select); coding-DNA positions 493 to 496, 4 bases deleted (AACT; older notation c.493_496delAACT).
Protein change: p.Asn165fs; shifts the reading frame from asparagine 165.
Molecular consequence: frameshift variant.
Genome position (GRCh38, 1-based): chr6:112,201,615-112,201,618, AGTT deleted on the plus strand (AACT on the coding strand, the reverse complement: LAMA4 is on the minus strand); deleting any 4 consecutive bases within chr6:112,201,615-112,201,620 gives the same sequence; the c. name uses the placement nearest the transcript's 3' end. VCF-style (leftmost placement, unchanged base first): chr6-112201614-CAGTT-C. GRCh37 (hg19) VCF-style: chr6-112522815-CAGTT-C.
Other names: c.493_496del, p.Asn165fs (NM_001105207.3, NM_002290.5); short protein forms N165fs.
Identifiers: ClinVar variation 4733088 (VCV004733088.1).
Genomic context (GRCh38, chr6:112,201,614, plus strand): 5'-AAACAGAAAGCTTCCTTTGACCCACACAGAAAATAGAGAATTTTATTGGCTTACCTTTCA[CAGTT>C]AGGTCCAGCATAATTTTCGTTACAAATGCACCGAACAGCTCCATTTTTCCTATAGCAGGA-3'